The following is an entry in ClinVar:

NM_001723.7(DST):c.7876C>G (p.His2626Asp)

Gene: DST (dystonin; minus strand). Cytogenetic location: 6p12.1.
Variant type: single nucleotide variant.
Coding change: c.7876C>G on transcript NM_001723.7 (MANE Plus Clinical); coding-DNA position 7876, C replaced by G.
Protein change: p.His2626Asp; replaces histidine 2626 with aspartic acid.
Molecular consequence: missense variant. On other transcripts: intron variant (10).
Genome position (GRCh38, 1-based): chr6:56,615,591, G>C on the plus strand (C>G on the coding strand, the complement: DST is on the minus strand). VCF-style: chr6-56615591-G-C. GRCh37 (hg19) VCF-style: chr6-56480389-G-C.
Other names: c.4831-1107C>G (NM_001144769.5); c.4930-1107C>G (NM_001374722.1, NM_001374736.1); c.4957-1107C>G (NM_001374734.1); c.4417-1107C>G (NM_001144770.2); c.4297-1107C>G (NM_001374730.1, NM_001386100.1, NM_183380.4 and 1 more transcripts); c.3319-1107C>G (NM_015548.5); short protein forms H2626D.
Identifiers: ClinVar variation 1025721 (VCV001025721.4), dbSNP rs141066017, ClinGen allele CA3869882.
Genomic context (GRCh38, chr6:56,615,591, plus strand): 5'-AGAGGCTAGAAATTCCTGTCATCAGGGGCTCAGATACTTCTAACAGTTTAAGTCCTGTGT[G>C]GAAATCAAAATCAGCTTTTTCTAAGGCTTCTTTATATGTCAACTTTCTTTTTGTCTGAGG-3'
Protein context (NP_001714.1, residues 2616-2636): EALEKADFDF[His2626Asp]TGLKLLEVSE

ClinVar aggregate classification (germline): Uncertain significance (1 of 4 stars; one submission).

Conditions:
Hereditary sensory and autonomic neuropathy type 6. Also called: HSAN VI; Neuropathy, hereditary sensory and autonomic, type VI. Identifiers: Orphanet 314381, MedGen C3539003, MONDO:0013839, OMIM 614653.
Epidermolysis bullosa simplex 3, localized or generalized intermediate, with BP230 deficiency (EBS3). Also called: Epidermolysis bullosa simplex, autosomal recessive 2; Epidermolysis bullosa simplex due to BP230 deficiency. Identifiers: Orphanet 412181, MedGen C3809470, MONDO:0014180, OMIM 615425.

Allele frequency attached by ClinVar (database versions not stated): ExAC 0.00003; gnomAD exomes 0.00003; gnomAD 0.00004; TOPMed 0.00004; ESP Exome Variant Server 0.00023.
gnomAD v4.1: 24 of 1,613,942 alleles (0.0015%); highest among the groups gnomAD compares: Non-Finnish European, 0.0019%; no homozygotes.

Submission:

Labcorp Genetics (formerly Invitae), Labcorp
Classification: Uncertain significance for Epidermolysis bullosa simplex 3, localized or generalized intermediate, with BP230 deficiency; Hereditary sensory and autonomic neuropathy type 6. Last evaluated: 2021-10-04. Review status: criteria provided, single submitter. Criteria: Invitae Variant Classification Sherloc (09022015). Collection method: clinical testing. Allele origin: germline.
Comment: This sequence change replaces histidine with aspartic acid at codon 2626 of the DST protein (p.His2626Asp). The histidine residue is weakly conserved and there is a moderate physicochemical difference between histidine and aspartic acid. This variant is present in population databases (rs141066017, ExAC 0.006%). This variant has not been reported in the literature in individuals affected with DST-related conditions. Algorithms developed to predict the effect of missense changes on protein structure and function (SIFT, PolyPhen-2, Align-GVGD) all suggest that this variant is likely to be tolerated. In summary, the available evidence is currently insufficient to determine the role of this variant in disease. Therefore, it has been classified as a Variant of Uncertain Significance.